The following is an entry in ClinVar:

NM_022455.5(NSD1):c.1534A>T (p.Lys512Ter)

Gene: NSD1 (nuclear receptor binding SET domain protein 1; plus strand). Cytogenetic location: 5q35.3.
Variant type: single nucleotide variant.
Coding change: c.1534A>T on transcript NM_022455.5 (MANE Select); coding-DNA position 1534, A replaced by T.
Protein change: p.Lys512Ter; replaces lysine 512 with a stop codon.
Molecular consequence: nonsense.
Genome position (GRCh38, 1-based): chr5:177,209,933, A>T. VCF-style: chr5-177209933-A-T. GRCh37 (hg19) VCF-style: chr5-176636934-A-T.
Other names: c.661A>T, p.Lys221Ter (NM_001365684.2, NM_001409306.1, NM_001409307.1 and 3 more transcripts); c.1534A>T, p.Lys512Ter (NM_001409301.1, NM_001409302.1, NM_001409303.1); c.1114A>T, p.Lys372Ter (NM_001409304.1); c.781A>T, p.Lys261Ter (NM_001409305.1); short protein forms K221*, K261*, K372*, K512*.
Identifiers: ClinVar variation 4531983 (VCV004531983.1).

ClinVar aggregate classification (germline): Pathogenic (1 of 4 stars; one submission).

Conditions:
Sotos syndrome (SOTOS). Also called: CEREBRAL GIGANTISM; Sotos' syndrome; Distinctive facial appearance, overgrowth in childhood, and learning disabilities or delayed development; CHROMOSOME 5q35 DELETION SYNDROME; SOTOS SYNDROME 1. Identifiers: Orphanet 821, MedGen C0175695, MONDO:0019349, OMIM 117550.

Submission:

Victorian Clinical Genetics Services, Murdoch Childrens Research Institute
Classification: Pathogenic for Sotos syndrome. Last evaluated: 2025-06-19. Review status: criteria provided, single submitter. Criteria: ACMG Guidelines, 2015. Collection method: clinical testing. Allele origin: germline. Affected: yes.
Comment: This variant is classified as Pathogenic. Evidence in support of pathogenic classification: Variant is predicted to cause nonsense-mediated decay (NMD) and loss of protein (premature termination codon is located at least 54 nucleotides upstream of the final exon-exon junction); Variant is absent from gnomAD (v2, v3 and v4); Other NMD-predicted variants comparable to the one identified in this case have very strong previous evidence for pathogenicity (DECIPHER). Additional information: This variant is heterozygous; This gene is associated with autosomal dominant disease; Loss of function is a known mechanism of disease in this gene and is associated with Sotos syndrome (MIM#117550); Parental origin of the variant is unresolved.